The following is an entry in ClinVar:

NM_015316.3(PPP1R13B):c.508A>G (p.Ile170Val)

Gene: PPP1R13B (protein phosphatase 1 regulatory subunit 13B; minus strand). Cytogenetic location: 14q32.33.
Variant type: single nucleotide variant.
Coding change: c.508A>G on transcript NM_015316.3 (MANE Select); coding-DNA position 508, A replaced by G.
Protein change: p.Ile170Val; replaces isoleucine 170 with valine.
Molecular consequence: missense variant.
Genome position (GRCh38, 1-based): chr14:103,754,193, T>C on the plus strand (A>G on the coding strand, the complement: PPP1R13B is on the minus strand). VCF-style: chr14-103754193-T-C. GRCh37 (hg19) VCF-style: chr14-104220530-T-C.
Other names: short protein forms I170V.
Identifiers: ClinVar variation 779358 (VCV000779358.28), dbSNP rs140395624, ClinGen allele CA7367828.

ClinVar aggregate classification (germline): Benign/Likely benign. Review status: criteria provided, multiple submitters, no conflicts (2 of 4 stars). 3 submissions from 3 submitters: Benign (2); Likely benign (1). Last evaluated 2023-02-01.

Allele frequency attached by ClinVar (database versions not stated): gnomAD exomes 0.00376 and 0.00493; gnomAD 0.00432 and 0.00433; TOPMed 0.00461; ExAC 0.00496; ESP Exome Variant Server 0.00545; 1000 Genomes Project 30x 0.00593; 1000 Genomes Project 0.00679.
gnomAD v4.1: 6,347 of 1,614,048 alleles (0.39%); highest among the groups gnomAD compares: Middle Eastern, 2%; 36 homozygotes.

Submissions (3):

CeGaT Center for Human Genetics Tuebingen
Classification: Likely benign. Last evaluated: 2023-02-01. Review status: criteria provided, single submitter. Criteria: CeGaT Center For Human Genetics Tuebingen Variant Classification Criteria Version 2. Collection method: clinical testing. Allele origin: germline. Affected: yes. Observed: 1 variant allele.
Comment: PPP1R13B: BP4, BS2

Labcorp Genetics (formerly Invitae), Labcorp
Classification: Benign. Last evaluated: 2018-10-09. Review status: criteria provided, single submitter. Criteria: Invitae Variant Classification Sherloc (09022015). Collection method: clinical testing. Allele origin: germline.

Breakthrough Genomics
Classification: Benign. Review status: criteria provided, single submitter. Criteria: ACMG Guidelines, 2015. Collection method: not provided. Allele origin: germline. Inheritance: Unknown mechanism. Affected: yes.